The following is an entry in ClinVar:

NM_014846.4(WASHC5):c.1217A>G (p.Asn406Ser)

Gene: WASHC5 (WASH complex subunit 5; minus strand). Cytogenetic location: 8q24.13.
Variant type: single nucleotide variant.
Coding change: c.1217A>G on transcript NM_014846.4 (MANE Select); coding-DNA position 1217, A replaced by G.
Protein change: p.Asn406Ser; replaces asparagine 406 with serine.
Molecular consequence: missense variant.
Genome position (GRCh38, 1-based): chr8:125,067,653, T>C on the plus strand (A>G on the coding strand, the complement: WASHC5 is on the minus strand). VCF-style: chr8-125067653-T-C. GRCh37 (hg19) VCF-style: chr8-126079895-T-C.
Other names: p.Asn406Ser; c.773A>G, p.Asn258Ser (NM_001330609.2); short protein forms N258S, N406S.
Identifiers: ClinVar variation 1285109 (VCV001285109.25), dbSNP rs200456170, ClinGen allele CA4873890.

ClinVar aggregate classification (germline): Conflicting classifications of pathogenicity. Review status: criteria provided, conflicting classifications (1 of 4 stars). 8 submissions from 8 submitters: Uncertain significance (5); Likely benign (1). 2 of the submissions do not count toward it. Last evaluated 2025-08-14.

Conditions:
Hereditary spastic paraplegia 8 (SPG8). Also called: SPASTIC PARAPLEGIA 8, AUTOSOMAL DOMINANT. Identifiers: Orphanet 100989, MedGen C1863704, MONDO:0011339, OMIM 603563.
Ritscher-Schinzel syndrome. Also called: CRANIOCEREBELLOCARDIAC DYSPLASIA. Identifiers: Orphanet 7, MedGen C0796137, MONDO:0019078.
Hereditary spastic paraplegia. Also called: Familial spastic paraparesis. Identifiers: Orphanet 685, MedGen C0037773, MONDO:0019064. Disease mechanism: loss of function.

Allele frequency attached by ClinVar (database versions not stated): TOPMed 0.00008; ExAC 0.00009; gnomAD exomes 0.00010 and 0.00011; gnomAD 0.00011 and 0.00012.
gnomAD v4.1: 170 of 1,613,586 alleles (0.011%); highest among the groups gnomAD compares: South Asian, 0.047%; 1 homozygote.

Submissions (8):

Mayo Clinic Laboratories, Mayo Clinic
Classification: Uncertain significance. Last evaluated: 2025-08-14. Review status: criteria provided, single submitter. Criteria: ACMG Guidelines, 2015. Collection method: clinical testing. Allele origin: germline. Observed: 1 variant allele.
Comment: BP4

Labcorp Genetics (formerly Invitae), Labcorp
Classification: Uncertain significance for Ritscher-Schinzel syndrome; Hereditary spastic paraplegia 8. Last evaluated: 2025-04-27. Review status: criteria provided, single submitter. Criteria: Invitae Variant Classification Sherloc (09022015). Collection method: clinical testing. Allele origin: germline.
Comment: This sequence change replaces asparagine, which is neutral and polar, with serine, which is neutral and polar, at codon 406 of the WASHC5 protein (p.Asn406Ser). This variant is present in population databases (rs200456170, gnomAD 0.04%). This variant has not been reported in the literature in individuals affected with WASHC5-related conditions. ClinVar contains an entry for this variant (Variation ID: 1285109). Invitae Evidence Modeling of protein sequence and biophysical properties (such as structural, functional, and spatial information, amino acid conservation, physicochemical variation, residue mobility, and thermodynamic stability) indicates that this missense variant is not expected to disrupt WASHC5 protein function with a negative predictive value of 80%. In summary, the available evidence is currently insufficient to determine the role of this variant in disease. Therefore, it has been classified as a Variant of Uncertain Significance.

CeGaT Center for Human Genetics Tuebingen
Classification: Likely benign. Last evaluated: 2025-02-01. Review status: criteria provided, single submitter. Criteria: CeGaT Center For Human Genetics Tuebingen Variant Classification Criteria Version 2. Collection method: clinical testing. Allele origin: germline. Affected: yes. Observed: 2 variant alleles.
Comment: WASHC5: BP4

Women's Health and Genetics/Laboratory Corporation of America, LabCorp
Classification: Uncertain significance. Last evaluated: 2024-09-20. Review status: criteria provided, single submitter. Criteria: LabCorp Variant Classification Summary - May 2015. Collection method: clinical testing. Allele origin: germline.
Comment: Variant summary: WASHC5 c.1217A>G (p.Asn406Ser) results in a conservative amino acid change in the encoded protein sequence. Four of five in-silico tools predict a benign effect of the variant on protein function. The variant allele was found at a frequency of 0.0001 in 251444 control chromosomes. This frequency is not significantly higher than estimated for a pathogenic variant in WASHC5 causing Hereditary Spastic Paraplegia 8, allowing no conclusion about variant significance. c.1217A>G has been reported in the literature in an individual affected with spastic paraplegia without reported genotype or evidence of causality (Gao_2023), as a heterozygous genotype in an individual affected with Charcot-Marie-Tooth type 2B carrying variants in multiple alternative genes associated with the phenotype (Saveri_2020), and in a compound heterozygote without reported phenotype (Stranneheim_2021). These reports do not provide unequivocal conclusions about association of the variant with Hereditary Spastic Paraplegia 8. To our knowledge, no experimental evidence demonstrating an impact on protein function has been reported. The following publications have been ascertained in the context of this evaluation (PMID: 38028608, 32326241, 33726816). ClinVar contains an entry for this variant (Variation ID: 1285109). Based on the evidence outlined above, the variant was classified as uncertain significance.

Genome Diagnostics Laboratory, The Hospital for Sick Children
Classification: Uncertain significance for Hereditary spastic paraplegia. Last evaluated: 2019-03-01. Review status: criteria provided, single submitter. Criteria: ACMG Guidelines, 2015. Collection method: clinical testing. Allele origin: germline. Affected: yes.

Neuberg Centre For Genomic Medicine, NCGM
Classification: Uncertain significance for Hereditary spastic paraplegia 8. Review status: criteria provided, single submitter. Criteria: ACMG Guidelines, 2015. Collection method: clinical testing. Allele origin: germline. Inheritance: Autosomal dominant inheritance. Affected: yes.
Comment: The observed missense variant c.1217A>Gp.Asn406Ser in the WASHC5 gene has not been reported previously as a pathogenic variant nor as a benign variant, to our knowledge. This variant is reported with the allele frequency 0.01% in the gnomAD Exomes. This variant has been reported to the ClinVar database as Uncertain Significance by multiple submitters. However, no details are available for independent assessment. The amino acid Asn at position 406 is changed to a Ser changing protein sequence and it might alter its composition and physico-chemical properties. Computational evidence Polyphen - Benign, SIFT - Tolerated and MutationTaster - Disease causing predicts conflicting evidence on protein structure and function for this variant. The residue is conserved by GERP++ and PhyloP across 100 vertebrates. For these reasons, this variant has been classified as Uncertain Significance.

Clinical Genetics DNA and cytogenetics Diagnostics Lab, Erasmus MC, Erasmus Medical Center
Classification: Uncertain significance. Review status: no assertion criteria provided. Collection method: clinical testing. Allele origin: germline. Affected: yes. Study: VKGL Data-share Consensus. Not counted in ClinVar's aggregate classification.

Genome Diagnostics Laboratory, University Medical Center Utrecht
Classification: Uncertain significance. Review status: no assertion criteria provided. Collection method: clinical testing. Allele origin: germline. Affected: yes. Study: VKGL Data-share Consensus. Not counted in ClinVar's aggregate classification.

Literature cited by the submitters: PubMed 33726816 (cited by Mayo Clinic Laboratories, Mayo Clinic and Women's Health and Genetics/Laboratory Corporation of America, LabCorp); PubMed 38028608 (cited by Mayo Clinic Laboratories, Mayo Clinic and Women's Health and Genetics/Laboratory Corporation of America, LabCorp); PubMed 32326241 (cited by Women's Health and Genetics/Laboratory Corporation of America, LabCorp).